The following is an entry in ClinVar:

NM_001165963.4(SCN1A):c.3705+1G>C

Genes: SCN1A (sodium voltage-gated channel alpha subunit 1; minus strand), LOC102724058 (uncharacterized LOC102724058; plus strand). Cytogenetic location: 2q24.3.
Variant type: single nucleotide variant.
Coding change: c.3705+1G>C on transcript NM_001165963.4 (MANE Select); the canonical splice donor site of the intron after coding-DNA position 3705, G replaced by C.
Molecular consequence: splice donor variant.
Genome position (GRCh38, 1-based): chr2:166,013,743, C>G on the plus strand (G>C on the coding strand, the complement: SCN1A is on the minus strand). VCF-style: chr2-166013743-C-G. GRCh37 (hg19) VCF-style: chr2-166870253-C-G.
Other names: c.3672+1G>C (NM_001353949.2, NM_001353950.2, NM_001353951.2 and 2 more transcripts); c.3621+1G>C (NM_001353958.2, NM_001353957.2, NM_001165964.3); c.3705+1G>C (NM_001202435.3, NM_001353948.2); c.3669+1G>C (NM_001353955.2, NM_001353954.2); c.3618+1G>C (NM_001353960.2); c.1263+1G>C (NM_001353961.2).
Identifiers: ClinVar variation 2203187 (VCV002203187.4), dbSNP rs794726744, ClinGen allele CA349055594.

ClinVar aggregate classification (germline): Pathogenic (1 of 4 stars; one submission).

Conditions:
Early-infantile DEE. Also called: Early infantile epileptic encephalopathy with suppression bursts; Early infantile epileptic encephalopathy; Ohtahara syndrome. Identifiers: Orphanet 1934, MedGen C0393706, MONDO:0800491.

Submission:

Labcorp Genetics (formerly Invitae), Labcorp
Classification: Pathogenic for Early-infantile DEE. Last evaluated: 2022-01-31. Review status: criteria provided, single submitter. Criteria: Invitae Variant Classification Sherloc (09022015). Collection method: clinical testing. Allele origin: germline.
Comment: This sequence change affects a donor splice site in intron 18 of the SCN1A gene. It is expected to disrupt RNA splicing. Variants that disrupt the donor or acceptor splice site typically lead to a loss of protein function (PMID: 16199547), and loss-of-function variants in SCN1A are known to be pathogenic (PMID: 17347258, 18930999). This variant is not present in population databases (gnomAD no frequency). For these reasons, this variant has been classified as Pathogenic. Algorithms developed to predict the effect of sequence changes on RNA splicing suggest that this variant may disrupt the consensus splice site. Disruption of this splice site has been observed in individual(s) with SCN1A-related conditions (PMID: 23808377). In at least one individual the variant was observed to be de novo.

Literature cited by the submitters: PubMed 16199547; PubMed 17347258; PubMed 18930999; PubMed 23808377.